The following is an entry in ClinVar:

NM_012463.4(ATP6V0A2):c.2478G>A (p.Gln826=)

Gene: ATP6V0A2 (ATPase H+ transporting V0 subunit a2; plus strand). Cytogenetic location: 12q24.31.
Variant type: single nucleotide variant.
Coding change: c.2478G>A on transcript NM_012463.4 (MANE Select); coding-DNA position 2478, G replaced by A.
Protein change: p.Gln826=; no amino-acid change (glutamine 826 retained).
Molecular consequence: synonymous variant.
Genome position (GRCh38, 1-based): chr12:123,757,939, G>A. VCF-style: chr12-123757939-G-A. GRCh37 (hg19) VCF-style: chr12-124242486-G-A.
Identifiers: ClinVar variation 3904912 (VCV003904912.10).
Genomic context (GRCh38, chr12:123,757,939, plus strand): 5'-ATGTGATTTCATAATCTTCCATTAATACATGGCTTTTTTTTTTTTTAGGGTAGAATTTCA[G>A]AACAAATTCTACGTTGGTGCAGGCACCAAATTTGTTCCTTTCTCATTCAGTCTACTTTCA-3'
Protein context (NP_036595.2, residues 816-836): HAIRLHWVEF[Gln826=]NKFYVGAGTK

ClinVar aggregate classification (germline): Likely benign (1 of 4 stars; one submission).

gnomAD v4.1: 2 of 1,577,020 alleles (0.00013%); highest among the groups gnomAD compares: Non-Finnish European, 0.000086%; no homozygotes.

Submission:

CeGaT Center for Human Genetics Tuebingen
Classification: Likely benign. Last evaluated: 2025-05-01. Review status: criteria provided, single submitter. Criteria: CeGaT Center For Human Genetics Tuebingen Variant Classification Criteria Version 2. Collection method: clinical testing. Allele origin: germline. Affected: yes. Observed: 1 variant allele.
Comment: ATP6V0A2: BP4, BP7